The following is an entry in ClinVar:

ClinVar aggregate classification (germline): Uncertain significance. Review status: criteria provided, multiple submitters, no conflicts (2 of 4 stars). 2 submissions from 2 submitters: Uncertain significance (2). Last evaluated 2025-03-22.

Conditions:
Fanconi anemia (FA). Also called: Fanconi's anemia. Identifiers: Orphanet 84, MedGen C0015625, MeSH D005199, MONDO:0019391.
Inborn genetic diseases. Identifiers: MedGen C0950123, MeSH D030342.

Allele frequency attached by ClinVar (database versions not stated): gnomAD exomes below 0.00001.
gnomAD v4.1: 2 of 1,603,142 alleles (0.00012%); highest among the groups gnomAD compares: Non-Finnish European, 0.00017%; no homozygotes.

Submissions (2):

Ambry Genetics
Classification: Uncertain significance for Inborn genetic diseases. Last evaluated: 2025-03-22. Review status: criteria provided, single submitter. Criteria: Ambry Variant Classification Scheme 2023. Collection method: clinical testing. Allele origin: germline.
Comment: The p.W688S variant (also known as c.2063G>C), located in coding exon 12 of the FANCM gene, results from a G to C substitution at nucleotide position 2063. The tryptophan at codon 688 is replaced by serine, an amino acid with highly dissimilar properties. This amino acid position is conserved. In addition, the in silico prediction for this alteration is inconclusive. Based on the available evidence, the clinical significance of this variant remains unclear.

Labcorp Genetics (formerly Invitae), Labcorp
Classification: Uncertain significance for Fanconi anemia. Last evaluated: 2021-11-13. Review status: criteria provided, single submitter. Criteria: Invitae Variant Classification Sherloc (09022015). Collection method: clinical testing. Allele origin: germline.
Comment: In summary, the available evidence is currently insufficient to determine the role of this variant in disease. Therefore, it has been classified as a Variant of Uncertain Significance. Algorithms developed to predict the effect of missense changes on protein structure and function are either unavailable or do not agree on the potential impact of this missense change (SIFT: "Deleterious"; PolyPhen-2: "Probably Damaging"; Align-GVGD: "Class C0"). This variant has not been reported in the literature in individuals affected with FANCM-related conditions. This variant is not present in population databases (gnomAD no frequency). This sequence change replaces tryptophan, which is neutral and slightly polar, with serine, which is neutral and polar, at codon 688 of the FANCM protein (p.Trp688Ser).

NM_020937.4(FANCM):c.2063G>C (p.Trp688Ser)

Gene: FANCM (FA complementation group M; plus strand). Cytogenetic location: 14q21.2.
Variant type: single nucleotide variant.
Coding change: c.2063G>C on transcript NM_020937.4 (MANE Select); coding-DNA position 2063, G replaced by C.
Protein change: p.Trp688Ser; replaces tryptophan 688 with serine.
Molecular consequence: missense variant.
Genome position (GRCh38, 1-based): chr14:45,170,649, G>C. VCF-style: chr14-45170649-G-C. GRCh37 (hg19) VCF-style: chr14-45639852-G-C.
Other names: c.1985G>C, p.Trp662Ser (NM_001308133.2); c.2063G>C (NM_020937.2); short protein forms W662S, W688S.
Identifiers: ClinVar variation 1368241 (VCV001368241.7), dbSNP rs2139226471, ClinGen allele CA389595984.